The following is an entry in ClinVar:

ClinVar aggregate classification (germline): Uncertain significance. Review status: criteria provided, multiple submitters, no conflicts (2 of 4 stars). 3 submissions from 3 submitters: Uncertain significance (3). Last evaluated 2025-09-04.

Conditions:
Neurofibromatosis, type 2 (SWNV). Also called: BILATERAL ACOUSTIC NEUROFIBROMATOSIS; NF2-Related Schwannomatosis; SCHWANNOMATOSIS, VESTIBULAR. Identifiers: Orphanet 637, MedGen C0027832, MONDO:0007039, OMIM 101000. Disease mechanism: loss of function.
Hereditary cancer-predisposing syndrome. Also called: Tumor predisposition; Hereditary Cancer Syndrome; Hereditary neoplastic syndrome; Neoplastic Syndromes, Hereditary. Identifiers: Orphanet 140162, MedGen C0027672, MeSH D009386, MONDO:0015356.

Submissions (3):

Ambry Genetics
Classification: Uncertain significance for Hereditary cancer-predisposing syndrome. Last evaluated: 2025-09-04. Review status: criteria provided, single submitter. Criteria: Ambry Variant Classification Scheme 2023. Collection method: clinical testing. Allele origin: germline.
Comment: The p.N263S variant (also known as c.788A>G), located in coding exon 8 of the NF2 gene, results from an A to G substitution at nucleotide position 788. The asparagine at codon 263 is replaced by serine, an amino acid with highly similar properties. This amino acid position is conserved. In addition, the in silico prediction for this alteration is inconclusive. Based on the available evidence, the clinical significance of this variant remains unclear.

GeneDx
Classification: Uncertain significance. Last evaluated: 2024-06-10. Review status: criteria provided, single submitter. Criteria: GeneDx Variant Classification Process June 2021. Collection method: clinical testing. Allele origin: germline. Affected: yes.
Comment: Not observed at significant frequency in large population cohorts (gnomAD); In silico analysis supports that this missense variant has a deleterious effect on protein structure/function; Has not been previously published as pathogenic or benign to our knowledge; This variant is associated with the following publications: (PMID: 11756419, 16324214)

All of Us Research Program, National Institutes of Health
Classification: Uncertain significance for Neurofibromatosis, type 2. Last evaluated: 2023-04-27. Review status: criteria provided, single submitter. Criteria: ACMG Guidelines, 2015. Collection method: clinical testing. Allele origin: germline. Inheritance: Autosomal dominant inheritance. Observed: 1 variant allele, 1 heterozygote.
Comment: This study involves interpretation of variants in research participants for the purpose of population health screening. Participant phenotype was not available at the time of variant classification. Additional details can be found in publication PMID: 35346344, PMCID: PMC8962531

NM_000268.4(NF2):c.788A>G (p.Asn263Ser)

Gene: NF2 (NF2, moesin-ezrin-radixin like (MERLIN) tumor suppressor; plus strand). Cytogenetic location: 22q12.2.
Variant type: single nucleotide variant.
Coding change: c.788A>G on transcript NM_000268.4 (MANE Select); coding-DNA position 788, A replaced by G.
Protein change: p.Asn263Ser; replaces asparagine 263 with serine.
Molecular consequence: missense variant. On other transcripts: non-coding transcript variant (1), intron variant (4).
Genome position (GRCh38, 1-based): chr22:29,661,317, A>G. VCF-style: chr22-29661317-A-G. GRCh37 (hg19) VCF-style: chr22-30057306-A-G.
Other names: c.788A>G, p.Asn263Ser (NM_181825.3, NM_181832.3, NM_001407060.1 and 2 more transcripts); c.662A>G, p.Asn221Ser (NM_181828.3, NM_001407055.1); c.665A>G, p.Asn222Ser (NM_181829.3, NM_001407058.1, NM_001407054.1); c.539A>G, p.Asn180Ser (NM_181830.3, NM_181831.3, NM_001407063.1 and 1 more transcripts); c.675+3053A>G (NM_001407059.1, NM_001407057.1); c.254A>G, p.Asn85Ser (NM_001407065.1); c.557A>G, p.Asn186Ser (NM_001407067.1); c.447+19032A>G (NM_181833.3); and 2 more; short protein forms N180S, N186S, N221S, N222S, N225S, N263S, N85S.
Identifiers: ClinVar variation 3070608 (VCV003070608.3), dbSNP rs2147010802, ClinGen allele CA411144108.